The following is an entry in ClinVar:

NM_000138.5(FBN1):c.7556A>G (p.His2519Arg)

Gene: FBN1 (fibrillin 1; minus strand). Cytogenetic location: 15q21.1.
Variant type: single nucleotide variant.
Coding change: c.7556A>G on transcript NM_000138.5 (MANE Select); coding-DNA position 7556, A replaced by G.
Protein change: p.His2519Arg; replaces histidine 2519 with arginine.
Molecular consequence: missense variant.
Genome position (GRCh38, 1-based): chr15:48,421,966, T>C on the plus strand (A>G on the coding strand, the complement: FBN1 is on the minus strand). VCF-style: chr15-48421966-T-C. GRCh37 (hg19) VCF-style: chr15-48714163-T-C.
Other names: c.7556A>G, p.His2519Arg (NM_001406716.1); short protein forms H2519R.
Identifiers: ClinVar variation 4995986 (VCV004995986.1).

ClinVar aggregate classification (germline): Uncertain significance (1 of 4 stars; one submission).

Conditions:
FBN1-related disorder. Also called: FBN1-related disorders.

gnomAD v4.1: 1 of 1,612,892 alleles (0.000062%); highest among the groups gnomAD compares: Non-Finnish European, 0.000085%; no homozygotes.

Submission:

PreventionGenetics, part of Exact Sciences
Classification: Uncertain significance for FBN1-related condition. Last evaluated: 2025-10-06. Review status: criteria provided, single submitter. Criteria: ACMG Guidelines, 2015. Collection method: clinical testing. Allele origin: germline.
Comment: The FBN1 c.7556A>G variant is predicted to result in the amino acid substitution p.His2519Arg. To our knowledge, this variant has not been reported in the literature or in a large population database (gnomAD), indicating this variant is rare. At this time, the clinical significance of this variant is uncertain due to the absence of conclusive functional and genetic evidence.